The following is an entry in ClinVar:

NM_001134363.3(RBM20):c.533G>A (p.Arg178Gln)

Gene: RBM20 (RNA binding motif protein 20; plus strand). Cytogenetic location: 10q25.2.
Variant type: single nucleotide variant.
Coding change: c.533G>A on transcript NM_001134363.3 (MANE Select); coding-DNA position 533, G replaced by A.
Protein change: p.Arg178Gln; replaces arginine 178 with glutamine.
Molecular consequence: missense variant.
Genome position (GRCh38, 1-based): chr10:110,781,142, G>A. VCF-style: chr10-110781142-G-A. GRCh37 (hg19) VCF-style: chr10-112540900-G-A.
Other names: c.533G>A (NM_001134363.1); short protein forms R178Q.
Identifiers: ClinVar variation 961990 (VCV000961990.12), dbSNP rs561085365, ClinGen allele CA5688516.

ClinVar aggregate classification (germline): Conflicting classifications of pathogenicity. Review status: criteria provided, conflicting classifications (1 of 4 stars). 3 submissions from 3 submitters: Uncertain significance (1); Likely benign (2). Last evaluated 2025-02-17.

Conditions:
Cardiovascular phenotype. Identifiers: MedGen CN230736.
Dilated cardiomyopathy 1DD (CMD1DD). Identifiers: Orphanet 154, MedGen C2750995, MONDO:0013168, OMIM 613172.

Allele frequency attached by ClinVar (database versions not stated): TOPMed 0.00001; gnomAD 0.00004 and 0.00005; ExAC 0.00010; 1000 Genomes Project 30x 0.00031; 1000 Genomes Project 0.00040.
gnomAD v4.1: 29 of 1,551,604 alleles (0.0019%); highest among the groups gnomAD compares: South Asian, 0.0059%; no homozygotes.

Submissions (3):

Labcorp Genetics (formerly Invitae), Labcorp
Classification: Likely benign for Dilated cardiomyopathy 1DD. Last evaluated: 2025-02-17. Review status: criteria provided, single submitter. Criteria: Invitae Variant Classification Sherloc (09022015). Collection method: clinical testing. Allele origin: germline.

Ambry Genetics
Classification: Likely benign for Cardiovascular phenotype. Last evaluated: 2024-03-26. Review status: criteria provided, single submitter. Criteria: Ambry Variant Classification Scheme 2023. Collection method: clinical testing. Allele origin: germline.

Women's Health and Genetics/Laboratory Corporation of America, LabCorp
Classification: Uncertain significance. Last evaluated: 2021-06-01. Review status: criteria provided, single submitter. Criteria: LabCorp Variant Classification Summary - May 2015. Collection method: clinical testing. Allele origin: germline.
Comment: Variant summary: RBM20 c.533G>A (p.Arg178Gln) results in a conservative amino acid change in the encoded protein sequence. Five of five in-silico tools predict a benign effect of the variant on protein function. The variant allele was found at a frequency of 1.9e-05 in 155908 control chromosomes (gnomAD). The available data on variant occurrences in the general population are insufficient to allow any conclusion about variant significance. To our knowledge, no occurrence of c.533G>A in individuals affected with Dilated Cardiomyopathy and no experimental evidence demonstrating its impact on protein function have been reported. One ClinVar submitter (evaluation after 2014) cites the variant as uncertain significance. Based on the evidence outlined above, the variant was classified as uncertain significance.